The following is an entry in ClinVar:

ClinVar aggregate classification (germline): Uncertain significance (1 of 4 stars; one submission).

Conditions:
Inclusion body myopathy with Paget disease of bone and frontotemporal dementia. Also called: Inclusion body myopathy with early-onset Paget disease and frontotemporal dementia. Identifiers: Orphanet 52430, MedGen C1833662, MONDO:0000507.
Frontotemporal dementia and/or amyotrophic lateral sclerosis 6 (FTDALS6). Also called: VCP-Related Amyotrophic Lateral Sclerosis/Frontotemporal Dementia; VCP-Related Amyotrophic Lateral Sclerosis. Identifiers: Orphanet 275872, Orphanet 803, MedGen C5436279, MONDO:0013501, OMIM 613954.

Allele frequency attached by ClinVar (database versions not stated): gnomAD exomes below 0.00001 and 0.00001; ExAC 0.00001; gnomAD 0.00001; TOPMed 0.00001.
gnomAD v4.1: 10 of 1,614,080 alleles (0.00062%); highest among the groups gnomAD compares: Non-Finnish European, 0.00076%; no homozygotes.

Submission:

Labcorp Genetics (formerly Invitae), Labcorp
Classification: Uncertain significance for Inclusion body myopathy with Paget disease of bone and frontotemporal dementia; Frontotemporal dementia and/or amyotrophic lateral sclerosis 6. Last evaluated: 2025-12-19. Review status: criteria provided, single submitter. Criteria: Invitae Variant Classification Sherloc (09022015). Collection method: clinical testing. Allele origin: germline.
Comment: This sequence change falls in intron 2 of the VCP gene. It does not directly change the encoded amino acid sequence of the VCP protein. It affects a nucleotide within the consensus splice site. This variant is present in population databases (rs767838037, gnomAD 0.0009%). This variant has not been reported in the literature in individuals affected with VCP-related conditions. ClinVar contains an entry for this variant (Variation ID: 1045485). Variants that disrupt the consensus splice site are a relatively common cause of aberrant splicing (PMID: 17576681, 9536098). Algorithms developed to predict the effect of sequence changes on RNA splicing suggest that this variant is not likely to affect RNA splicing. In summary, the available evidence is currently insufficient to determine the role of this variant in disease. Therefore, it has been classified as a Variant of Uncertain Significance.

Literature cited by the submitters: PubMed 17576681; PubMed 9536098.

NM_007126.5(VCP):c.130-3C>T

Gene: VCP (valosin containing protein; minus strand). Cytogenetic location: 9p13.3.
Variant type: single nucleotide variant.
Coding change: c.130-3C>T on transcript NM_007126.5 (MANE Select); 3 bases into the intron before coding-DNA position 130, C replaced by T.
Molecular consequence: intron variant.
Genome position (GRCh38, 1-based): chr9:35,068,066, G>A on the plus strand (C>T on the coding strand, the complement: VCP is on the minus strand). VCF-style: chr9-35068066-G-A. GRCh37 (hg19) VCF-style: chr9-35068063-G-A.
Other names: c.-6-3C>T (NM_001354927.2, NM_001354928.2).
Identifiers: ClinVar variation 1045485 (VCV001045485.9), dbSNP rs767838037, ClinGen allele CA5039538.
Genomic context (GRCh38, chr9:35,068,066, plus strand): 5'-TCTTTCCTTTCAGCAACACTGTGTCACCTCGGAACAACTGCAATTCATCCATCTTGGGCT[G>A]AGGAAAGAAAGTTAAGGCCTTTGGGTCATTGGGCTGACGGGGAGTAAGCAGCAGCCCTGG-3'